The following is an entry in ClinVar:

NM_000218.3(KCNQ1):c.1394-36404C>T

Genes: KCNQ1 (potassium voltage-gated channel subfamily Q member 1; plus strand), KCNQ1OT1 (KCNQ1 opposite strand/antisense transcript 1; minus strand). Cytogenetic location: 11p15.5.
Variant type: single nucleotide variant.
Coding change: c.1394-36404C>T on transcript NM_000218.3 (MANE Select); 36404 bases into the intron before coding-DNA position 1394, C replaced by T.
Molecular consequence: intron variant. On other transcripts: non-coding transcript variant (1).
Genome position (GRCh38, 1-based): chr11:2,625,557, C>T. VCF-style: chr11-2625557-C-T. GRCh37 (hg19) VCF-style: chr11-2646787-C-T.
Other names: c.1124-36404C>T (NM_001406837.1); c.1298-36404C>T (NM_001406836.1); c.854-36404C>T (NM_001406838.1); c.1013-36404C>T (NM_181798.2).
Identifiers: ClinVar variation 3060335 (VCV003060335.2), dbSNP rs7103309, ClinGen allele CA216364310.

ClinVar aggregate classification (germline): Benign (0 of 4 stars; one submission).

Conditions:
KCNQ1-related disorder. Also called: KCNQ1-related condition; KCNQ1-related disorders. Identifiers: MedGen CN239322.

Allele frequency attached by ClinVar (database versions not stated): TOPMed 0.85026; gnomAD 0.85673; 1000 Genomes Project 30x 0.86165; 1000 Genomes Project 0.86542.
gnomAD v4.1: 350,581 of 397,046 alleles (88%); highest among the groups gnomAD compares: East Asian, 99%; 155,594 homozygotes.

Submission:

PreventionGenetics, part of Exact Sciences
Classification: Benign for KCNQ1-related condition. Last evaluated: 2019-06-06. Review status: no assertion criteria provided. Collection method: clinical testing. Allele origin: germline.
Comment: This variant is classified as benign based on ACMG/AMP sequence variant interpretation guidelines (Richards et al. 2015 PMID: 25741868, with internal and published modifications).